The following is an entry in ClinVar:

ClinVar aggregate classification (germline): Likely benign. Review status: criteria provided, multiple submitters, no conflicts (2 of 4 stars). 2 submissions from 2 submitters: Likely benign (2). Last evaluated 2026-08-24.

Conditions:
Cardiovascular phenotype. Identifiers: MedGen CN230736.

Allele frequency attached by ClinVar (database versions not stated): gnomAD exomes below 0.00001.

Submissions (2):

Ambry Genetics
Classification: Likely benign for Cardiovascular phenotype. Last evaluated: 2026-08-24. Review status: criteria provided, single submitter. Criteria: Ambry Variant Classification Scheme 2023. Collection method: clinical testing. Allele origin: germline.

GeneDx
Classification: Likely benign. Last evaluated: 2018-06-07. Review status: criteria provided, single submitter. Criteria: GeneDx Variant Classification (06012015). Collection method: clinical testing. Allele origin: germline. Affected: yes.
Comment: This variant is considered likely benign or benign based on one or more of the following criteria: it is a conservative change, it occurs at a poorly conserved position in the protein, it is predicted to be benign by multiple in silico algorithms, and/or has population frequency not consistent with disease.

NM_001267550.2(TTN):c.42051A>T (p.Gly14017=)

Gene: TTN (titin; minus strand). Cytogenetic location: 2q31.2.
Variant type: single nucleotide variant.
Coding change: c.42051A>T on transcript NM_001267550.2 (MANE Select); coding-DNA position 42051, A replaced by T.
Protein change: p.Gly14017=; no amino-acid change (glycine 14017 retained).
Molecular consequence: synonymous variant.
Genome position (GRCh38, 1-based): chr2:178,634,823, T>A on the plus strand (A>T on the coding strand, the complement: TTN is on the minus strand). VCF-style: chr2-178634823-T-A. GRCh37 (hg19) VCF-style: chr2-179499550-T-A.
Other names: c.37128A>T, p.Gly12376= (NM_001256850.1); c.14856A>T, p.Gly4952= (NM_003319.4); c.34347A>T, p.Gly11449= (NM_133378.4); c.15231A>T, p.Gly5077= (NM_133432.3); c.15432A>T, p.Gly5144= (NM_133437.4).
Identifiers: ClinVar variation 671434 (VCV000671434.2), dbSNP rs1250399285, ClinGen allele CA430114369.
Genomic context (GRCh38, chr2:178,634,823, plus strand): 5'-CTGGTAGAGGACTTCACCAGCTTGGTCCAGTTTGACTTTGTGCAAAGTTAAGAAGCGTTT[T>A]CCACCTTCTGCTTTGATTTCACAAGTCTGAAAAACAATAGTTTTAGTAACCATTTGAAAG-3'
Protein context (NP_001254479.2, residues 14007-14027): SPTCEIKAEG[Gly14017=]KRFLTLHKVK